The following is an entry in ClinVar:

ClinVar aggregate classification (germline): Uncertain significance (1 of 4 stars; one submission).

Conditions:
HMCN1-related disorder. Also called: HMCN1-related condition.

Allele frequency attached by ClinVar (database versions not stated): gnomAD exomes below 0.00001; ExAC 0.00001.
gnomAD v4.1: 2 of 1,612,396 alleles (0.00012%); highest among the groups gnomAD compares: Non-Finnish European, 0.00017%; no homozygotes.

Submission:

PreventionGenetics, part of Exact Sciences
Classification: Uncertain significance for HMCN1-related condition. Last evaluated: 2023-01-09. Review status: criteria provided, single submitter. Criteria: ACMG Guidelines, 2015. Collection method: clinical testing. Allele origin: germline.
Comment: The HMCN1 c.5578T>C variant is predicted to result in the amino acid substitution p.Trp1860Arg. To our knowledge, this variant has not been reported in the literature. This variant is reported in 0.00088% of alleles in individuals of European (Non-Finnish) descent in gnomAD. At this time, the clinical significance of this variant is uncertain due to the absence of conclusive functional and genetic evidence.

NM_031935.3(HMCN1):c.5578T>C (p.Trp1860Arg)

Gene: HMCN1 (hemicentin 1; plus strand). Cytogenetic location: 1q31.1.
Variant type: single nucleotide variant.
Coding change: c.5578T>C on transcript NM_031935.3 (MANE Select); coding-DNA position 5578, T replaced by C.
Protein change: p.Trp1860Arg; replaces tryptophan 1860 with arginine.
Molecular consequence: missense variant.
Genome position (GRCh38, 1-based): chr1:186,019,648, T>C. VCF-style: chr1-186019648-T-C. GRCh37 (hg19) VCF-style: chr1-185988780-T-C.
Other names: short protein forms W1860R.
Identifiers: ClinVar variation 2629879 (VCV002629879.1), dbSNP rs776064192, ClinGen allele CA1292300.